The following is an entry in ClinVar:

NM_000135.4(FANCA):c.185T>C (p.Leu62Pro)

Gene: FANCA (FA complementation group A; minus strand). Cytogenetic location: 16q24.3.
Variant type: single nucleotide variant.
Coding change: c.185T>C on transcript NM_000135.4 (MANE Select); coding-DNA position 185, T replaced by C.
Protein change: p.Leu62Pro; replaces leucine 62 with proline.
Molecular consequence: missense variant.
Genome position (GRCh38, 1-based): chr16:89,815,881, A>G on the plus strand (T>C on the coding strand, the complement: FANCA is on the minus strand). VCF-style: chr16-89815881-A-G. GRCh37 (hg19) VCF-style: chr16-89882289-A-G.
Other names: c.185T>C, p.Leu62Pro (NM_001018112.3, NM_001286167.3, NM_001351830.2); short protein forms L62P.
Identifiers: ClinVar variation 3512703 (VCV003512703.1).

ClinVar aggregate classification (germline): Uncertain significance (1 of 4 stars; one submission).

Conditions:
Inborn genetic diseases. Identifiers: MedGen C0950123, MeSH D030342.

Submission:

Ambry Genetics
Classification: Uncertain significance for Inborn genetic diseases. Last evaluated: 2024-12-02. Review status: criteria provided, single submitter. Criteria: Ambry Variant Classification Scheme 2023. Collection method: clinical testing. Allele origin: germline.
Comment: The p.L62P variant (also known as c.185T>C), located in coding exon 2 of the FANCA gene, results from a T to C substitution at nucleotide position 185. The leucine at codon 62 is replaced by proline, an amino acid with similar properties. This amino acid position is conserved. In addition, the in silico prediction for this alteration is inconclusive. Based on the available evidence, the clinical significance of this variant remains unclear.